The following is an entry in ClinVar:

NM_015047.3(EMC1):c.385C>T (p.Gln129Ter)

Gene: EMC1 (ER membrane protein complex subunit 1; minus strand). Cytogenetic location: 1p36.13.
Variant type: single nucleotide variant.
Coding change: c.385C>T on transcript NM_015047.3 (MANE Select); coding-DNA position 385, C replaced by T.
Protein change: p.Gln129Ter; replaces glutamine 129 with a stop codon.
Molecular consequence: nonsense.
Genome position (GRCh38, 1-based): chr1:19,242,469, G>A on the plus strand (C>T on the coding strand, the complement: EMC1 is on the minus strand). VCF-style: chr1-19242469-G-A. GRCh37 (hg19) VCF-style: chr1-19568963-G-A.
Other names: c.385C>T, p.Gln129Ter (NM_001271428.2, NM_001271427.2, NM_001375820.1 and 1 more transcripts); c.319C>T, p.Gln107Ter (NM_001271429.2); short protein forms Q129*, Q107*.
Identifiers: ClinVar variation 3690215 (VCV003690215.2).

ClinVar aggregate classification (germline): Pathogenic (1 of 4 stars; one submission).

gnomAD v4.1: 2 of 1,614,108 alleles (0.00012%); highest among the groups gnomAD compares: Non-Finnish European, 0.00017%; no homozygotes.

Submission:

Labcorp Genetics (formerly Invitae), Labcorp
Classification: Pathogenic. Last evaluated: 2024-03-26. Review status: criteria provided, single submitter. Criteria: Invitae Variant Classification Sherloc (09022015). Collection method: clinical testing. Allele origin: germline.
Comment: This sequence change creates a premature translational stop signal (p.Gln129*) in the EMC1 gene. It is expected to result in an absent or disrupted protein product. Loss-of-function variants in EMC1 are known to be pathogenic (PMID: 26572623, 26942288, 29271071). This variant is present in population databases (rs752142992, gnomAD 0.0009%). This variant has not been reported in the literature in individuals affected with EMC1-related conditions. For these reasons, this variant has been classified as Pathogenic.

Literature cited by the submitters: PubMed 26572623; PubMed 26942288; PubMed 29271071.